The following is an entry in ClinVar:

ClinVar aggregate classification (germline): Benign (1 of 4 stars; one submission).

Allele frequency attached by ClinVar (database versions not stated): 1000 Genomes Project 30x 0.74375; TOPMed 0.83606; 1000 Genomes Project 0.73343; gnomAD 0.85671.
gnomAD v4.1: 128,992 of 152,086 alleles (85%); highest among the groups gnomAD compares: Non-Finnish European, 92%; 55,413 homozygotes.

Submission:

GeneDx
Classification: Benign. Last evaluated: 2018-06-19. Review status: criteria provided, single submitter. Criteria: GeneDx Variant Classification (06012015). Collection method: clinical testing. Allele origin: germline. Affected: yes.
Comment: This variant is considered likely benign or benign based on one or more of the following criteria: it is a conservative change, it occurs at a poorly conserved position in the protein, it is predicted to be benign by multiple in silico algorithms, and/or has population frequency not consistent with disease.

NM_014694.4(ADAMTSL2):c.683-225T>C

Gene: ADAMTSL2 (ADAMTS like 2; plus strand). Cytogenetic location: 9q34.2.
Variant type: single nucleotide variant.
Coding change: c.683-225T>C on transcript NM_014694.4 (MANE Select); 225 bases into the intron before coding-DNA position 683, T replaced by C.
Molecular consequence: intron variant.
Genome position (GRCh38, 1-based): chr9:133,544,245, T>C. VCF-style: chr9-133544245-T-C. GRCh37 (hg19) VCF-style: chr9-136409367-T-C.
Other names: c.683-225T>C (NM_001145320.2).
Identifiers: ClinVar variation 680465 (VCV000680465.1), dbSNP rs9802773, ClinGen allele CA12974262.